The following is an entry in ClinVar:

ClinVar aggregate classification (germline): Pathogenic. Review status: reviewed by expert panel (3 of 4 stars). 2 submissions from 2 submitters: Pathogenic (1). 1 of the submissions does not count toward it. Last evaluated 2016-10-18.

Conditions:
Breast-ovarian cancer, familial, susceptibility to, 1 (BROVCA1). Also called: BRCA1 Hereditary Breast and Ovarian Cancer; OVARIAN CANCER, SUSCEPTIBILITY TO. Identifiers: Orphanet 145, MedGen C2676676, MONDO:0011450, OMIM 604370. Disease mechanism: loss of function.

Submissions (2):

Evidence-based Network for the Interpretation of Germline Mutant Alleles (ENIGMA)
Classification: Pathogenic for Breast-ovarian cancer, familial, susceptibility to, 1. Last evaluated: 2016-10-18. Review status: reviewed by expert panel. Criteria: ENIGMA BRCA1/2 Classification Criteria (2015). Collection method: curation. Allele origin: germline.
Comment: Variant allele predicted to encode a truncated non-functional protein.

Consortium of Investigators of Modifiers of BRCA1/2 (CIMBA), c/o University of Cambridge
Classification: Pathogenic for Breast-ovarian cancer, familial, susceptibility to, 1. Last evaluated: 2015-10-02. Review status: criteria provided, single submitter. Criteria: CIMBA Mutation Classification guidelines May 2016. Collection method: clinical testing. Allele origin: germline. Not counted in ClinVar's aggregate classification.

NM_007294.4(BRCA1):c.2127_2128insGA (p.Thr710fs)

Gene: BRCA1 (BRCA1 DNA repair associated; minus strand). Cytogenetic location: 17q21.31.
Variant type: Insertion.
Coding change: c.2127_2128insGA on transcript NM_007294.4 (MANE Select); coding-DNA positions 2127 to 2128, GA inserted.
Protein change: p.Thr710fs; shifts the reading frame from threonine 710.
Molecular consequence: frameshift variant. On other transcripts: intron variant (137).
Genome position: GRCh38 VCF-style: chr17-43093403-T-TTC. GRCh37 (hg19) VCF-style: chr17-41245420-T-TTC.
Other names: 2246insGA; c.2124_2125insGA, p.Thr709fs (NM_001407633.1, NM_001407634.1, NM_001407635.1 and 22 more transcripts); c.2127_2128insGA, p.Thr710fs (NM_001407639.1, NM_001407640.1, NM_001407641.1 and 30 more transcripts); c.2118_2119insGA, p.Thr707fs (NM_001407646.1, NM_001407647.1); c.2004_2005insGA, p.Thr669fs (NM_001407648.1, NM_001407664.1, NM_001407665.1 and 19 more transcripts); c.2001_2002insGA, p.Thr668fs (NM_001407649.1, NM_001407670.1, NM_001407671.1 and 11 more transcripts); c.2049_2050insGA, p.Thr684fs (NM_001407653.1, NM_001407654.1, NM_001407655.1 and 4 more transcripts); c.2046_2047insGA, p.Thr683fs (NM_001407659.1, NM_001407660.1, NM_001407661.1 and 1 more transcripts); and 42 more; short protein forms T710fs, T663fs, T599fs, T622fs, T640fs, T642fs, T709fs, T582fs.
Identifiers: ClinVar variation 266221 (VCV000266221.6), dbSNP rs886039999, ClinGen allele CA10589890.